The following is an entry in ClinVar:

NM_080473.5(GATA5):c.952G>T (p.Ala318Ser)

Gene: GATA5 (GATA binding protein 5; minus strand). Cytogenetic location: 20q13.33.
Variant type: single nucleotide variant.
Coding change: c.952G>T on transcript NM_080473.5 (MANE Select); coding-DNA position 952, G replaced by T.
Protein change: p.Ala318Ser; replaces alanine 318 with serine.
Molecular consequence: missense variant.
Genome position (GRCh38, 1-based): chr20:62,465,426, C>A on the plus strand (G>T on the coding strand, the complement: GATA5 is on the minus strand). VCF-style: chr20-62465426-C-A. GRCh37 (hg19) VCF-style: chr20-61040482-C-A.
Other names: short protein forms A318S.
Identifiers: ClinVar variation 4746771 (VCV004746771.1).
Genomic context (GRCh38, chr20:62,465,426, plus strand): 5'-ACACTGGGGACGCCAGGCTGGGCTTGGCTTTCGAAGTGGCTGCTGAGCTGTCAGTGCTGG[C>A]GACAGCAGATGGGGAGGCCGAGGCATTCCTTGTGGATCCTGGAAGCGAAGAGGGGGTGTT-3'
Protein context (NP_536721.1, residues 308-328): RNASASPSAV[Ala318Ser]STDSSAATSK

ClinVar aggregate classification (germline): Uncertain significance (1 of 4 stars; one submission).

Submission:

Labcorp Genetics (formerly Invitae), Labcorp
Classification: Uncertain significance. Last evaluated: 2025-08-06. Review status: criteria provided, single submitter. Criteria: Invitae Variant Classification Sherloc (09022015). Collection method: clinical testing. Allele origin: germline.
Comment: This sequence change replaces alanine, which is neutral and non-polar, with serine, which is neutral and polar, at codon 318 of the GATA5 protein (p.Ala318Ser). This variant is not present in population databases (gnomAD no frequency). This variant has not been reported in the literature in individuals affected with GATA5-related conditions. Invitae Evidence Modeling of protein sequence and biophysical properties (such as structural, functional, and spatial information, amino acid conservation, physicochemical variation, residue mobility, and thermodynamic stability) indicates that this missense variant is not expected to disrupt GATA5 protein function with a negative predictive value of 80%. In summary, the available evidence is currently insufficient to determine the role of this variant in disease. Therefore, it has been classified as a Variant of Uncertain Significance.